The following is an entry in ClinVar:

ClinVar aggregate classification (germline): Uncertain significance. Review status: criteria provided, multiple submitters, no conflicts (2 of 4 stars). 2 submissions from 2 submitters: Uncertain significance (2). Last evaluated 2023-07-10.

Conditions:
Familial focal epilepsy with variable foci (FPEVF). Identifiers: Orphanet 98820, MedGen C1858477, MONDO:0020310.

Allele frequency attached by ClinVar (database versions not stated): ExAC 0.00001; gnomAD exomes 0.00001.
gnomAD v4.1: 4 of 1,613,144 alleles (0.00025%); highest among the groups gnomAD compares: South Asian, 0.0033%; no homozygotes.

Submissions (2):

Labcorp Genetics (formerly Invitae), Labcorp
Classification: Uncertain significance for Familial focal epilepsy with variable foci. Last evaluated: 2023-07-10. Review status: criteria provided, single submitter. Criteria: Invitae Variant Classification Sherloc (09022015). Collection method: clinical testing. Allele origin: germline.
Comment: This sequence change replaces aspartic acid, which is acidic and polar, with asparagine, which is neutral and polar, at codon 1285 of the DEPDC5 protein (p.Asp1285Asn). This variant is present in population databases (rs746938769, gnomAD 0.006%). This variant has not been reported in the literature in individuals affected with DEPDC5-related conditions. ClinVar contains an entry for this variant (Variation ID: 851609). Experimental studies and prediction algorithms are not available or were not evaluated, and the functional significance of this variant is currently unknown. In summary, the available evidence is currently insufficient to determine the role of this variant in disease. Therefore, it has been classified as a Variant of Uncertain Significance.

Blueprint Genetics
Classification: Uncertain significance. Last evaluated: 2020-12-29. Review status: criteria provided, single submitter. Criteria: ACMG Guidelines, 2015. Collection method: clinical testing. Allele origin: germline.

NM_001242896.3(DEPDC5):c.3853G>A (p.Asp1285Asn)

Gene: DEPDC5 (DEP domain containing 5, GATOR1 subcomplex subunit; plus strand). Cytogenetic location: 22q12.3.
Variant type: single nucleotide variant.
Coding change: c.3853G>A on transcript NM_001242896.3 (MANE Select); coding-DNA position 3853, G replaced by A.
Protein change: p.Asp1285Asn; replaces aspartic acid 1285 with asparagine.
Molecular consequence: missense variant. On other transcripts: non-coding transcript variant (5).
Genome position (GRCh38, 1-based): chr22:31,879,572, G>A. VCF-style: chr22-31879572-G-A. GRCh37 (hg19) VCF-style: chr22-32275558-G-A.
Other names: c.3826G>A, p.Asp1276Asn (NM_001136029.4); c.3553G>A, p.Asp1185Asn (NM_001242897.2); c.3787G>A, p.Asp1263Asn (NM_001363852.2, NM_001364320.2); c.3619G>A, p.Asp1207Asn (NM_001363854.2, NM_001364319.2); c.3853G>A, p.Asp1285Asn (NM_001364318.2); c.3769G>A, p.Asp1257Asn (NM_001369901.1, NM_001369902.1); c.3760G>A, p.Asp1254Asn (NM_001369903.1, NM_014662.6); short protein forms D1207N, D1257N, D1185N, D1276N, D1285N, D1254N, D1263N.
Identifiers: ClinVar variation 851609 (VCV000851609.10), dbSNP rs746938769, ClinGen allele CA10197133.